The following is an entry in ClinVar:

NM_054012.4(ASS1):c.928A>C (p.Lys310Gln)

Gene: ASS1 (argininosuccinate synthase 1; plus strand). Cytogenetic location: 9q34.11.
Variant type: single nucleotide variant.
Coding change: c.928A>C on transcript NM_054012.4 (MANE Select); coding-DNA position 928, A replaced by C.
Protein change: p.Lys310Gln; replaces lysine 310 with glutamine.
Molecular consequence: missense variant.
Genome position (GRCh38, 1-based): chr9:130,489,422, A>C. VCF-style: chr9-130489422-A-C. GRCh37 (hg19) VCF-style: chr9-133364809-A-C.
Other names: c.928A>C, p.Lys310Gln (NM_000050.4); short protein forms K310Q.
Identifiers: ClinVar variation 6339 (VCV000006339.8), dbSNP rs121908648, ClinGen allele CA253841.

ClinVar aggregate classification (germline): Likely pathogenic. Review status: criteria provided, multiple submitters, no conflicts (2 of 4 stars). 4 submissions from 4 submitters: Likely pathogenic (2). 2 of the submissions do not count toward it. Last evaluated 2024-05-06.

Conditions:
Citrullinemia. Identifiers: Orphanet 187, MedGen C0175683, MONDO:0015991.
Citrullinemia type I (CTNL1). Also called: argininosuccinate synthetase deficiency; ASS DEFICIENCY. Identifiers: Orphanet 247525, MedGen C4721769, MONDO:0008988, OMIM 215700.

Allele frequency attached by ClinVar (database versions not stated): ExAC 0.00001; gnomAD exomes 0.00001.
gnomAD v4.1: 16 of 1,614,122 alleles (0.00099%); highest among the groups gnomAD compares: African/African-American, 0.0013%; no homozygotes.

Submissions (4):

Natera, Inc.
Classification: Likely pathogenic for Citrullinemia type I. Last evaluated: 2024-05-06. Review status: criteria provided, single submitter. Criteria: Natera Variant Classification Schema (03/2026). Collection method: clinical testing. Allele origin: germline.
Comment: The c.928A>C variant in ASS1 is a missense variant predicted to cause substitution of lysine to glutamine at amino acid 310. This variant is rare in the general population with a frequency below the threshold expected for the associated phenotype(s). This variant has been observed in one or more individuals affected with the associated recessive disease, as either homozygous or compound heterozygous with a second variant (PMID: 12815590). A different variant at the same position has been determined to be Pathogenic or Likely Pathogenic. Computational prediction algorithms indicate this variant is likely to affect gene or protein function. Given the available evidence, this variant is classified as Likely Pathogenic.

Labcorp Genetics (formerly Invitae), Labcorp
Classification: Likely pathogenic for Citrullinemia. Last evaluated: 2022-02-20. Review status: criteria provided, single submitter. Criteria: Invitae Variant Classification Sherloc (09022015). Collection method: clinical testing. Allele origin: germline.
Comment: This missense change has been observed in individual(s) with citrullinemia type I (PMID: 12815590, 15266621). This variant is present in population databases (rs121908648, gnomAD 0.002%). This sequence change replaces lysine, which is basic and polar, with glutamine, which is neutral and polar, at codon 310 of the ASS1 protein (p.Lys310Gln). ClinVar contains an entry for this variant (Variation ID: 6339). In summary, the currently available evidence indicates that the variant is pathogenic, but additional data are needed to prove that conclusively. Therefore, this variant has been classified as Likely Pathogenic. This variant disrupts the p.Lys310 amino acid residue in ASS1. Other variant(s) that disrupt this residue have been determined to be pathogenic (PMID: 12815590, 15863597; Invitae). This suggests that this residue is clinically significant, and that variants that disrupt this residue are likely to be disease-causing. Algorithms developed to predict the effect of missense changes on protein structure and function are either unavailable or do not agree on the potential impact of this missense change (SIFT: "Deleterious"; PolyPhen-2: "Probably Damaging"; Align-GVGD: "Class C0").

Counsyl
Classification: Uncertain significance for Citrullinemia type I. Last evaluated: 2017-08-02. Review status: no assertion criteria provided. Collection method: clinical testing. Allele origin: unknown. Not counted in ClinVar's aggregate classification.

OMIM
Classification: Pathogenic for CITRULLINEMIA, CLASSIC. Last evaluated: 2004-08-15. Review status: no assertion criteria provided. Collection method: literature only. Allele origin: germline. Not counted in ClinVar's aggregate classification.

Literature cited by the submitters: PubMed 12815590 (cited by 3 submitters); PubMed 15266621 (cited by Labcorp Genetics (formerly Invitae), Labcorp and OMIM); PubMed 15863597 (cited by Labcorp Genetics (formerly Invitae), Labcorp); PubMed 934749 (cited by OMIM).